The following is an entry in ClinVar:

NM_025074.7(FRAS1):c.1100G>A (p.Arg367His)

Gene: FRAS1 (Fraser extracellular matrix complex subunit 1; plus strand). Cytogenetic location: 4q21.21.
Variant type: single nucleotide variant.
Coding change: c.1100G>A on transcript NM_025074.7 (MANE Select); coding-DNA position 1100, G replaced by A.
Protein change: p.Arg367His; replaces arginine 367 with histidine.
Molecular consequence: missense variant.
Genome position (GRCh38, 1-based): chr4:78,281,426, G>A. VCF-style: chr4-78281426-G-A. GRCh37 (hg19) VCF-style: chr4-79202580-G-A.
Other names: c.1100G>A (NM_025074.6); c.1100G>A, p.Arg367His (NM_001166133.2); short protein forms R367H.
Identifiers: ClinVar variation 1426073 (VCV001426073.7), dbSNP rs200344686, ClinGen allele CA2976174.
Genomic context (GRCh38, chr4:78,281,426, plus strand): 5'-GGCATAATAAAGACATTTCTCTTTGTTCCTAGATGTCATCAAATGCTAGTGAAGTTAAAC[G>A]TATTCCAGTAAGTATAGCTTTTTAACTTGCACGTAGATCATTATAAAATTGTTTTATGTA-3'
Protein context (NP_079350.5, residues 357-377): FMSSNASEVK[Arg367His]IPEGEKWEDG

ClinVar aggregate classification (germline): Conflicting classifications of pathogenicity. Review status: criteria provided, conflicting classifications (1 of 4 stars). 3 submissions from 3 submitters: Uncertain significance (2); Likely benign (1). Last evaluated 2024-06-18.

Conditions:
Inborn genetic diseases. Identifiers: MedGen C0950123, MeSH D030342.
Fraser syndrome 1 (FRASRS1). Also called: CRYPTOPHTHALMOS WITH OTHER MALFORMATIONS. Identifiers: Orphanet 2052, MedGen C4551480, MONDO:0054737, OMIM 219000.

Allele frequency attached by ClinVar (database versions not stated): ExAC 0.00009; gnomAD 0.00014 and 0.00015; TOPMed 0.00014; ESP Exome Variant Server 0.00017; 1000 Genomes Project 30x 0.00031; 1000 Genomes Project 0.00040.
gnomAD v4.1: 63 of 1,567,108 alleles (0.004%); highest among the groups gnomAD compares: African/African-American, 0.027%; no homozygotes.

Submissions (3):

Ambry Genetics
Classification: Likely benign for Inborn genetic diseases. Last evaluated: 2024-06-18. Review status: criteria provided, single submitter. Criteria: Ambry Variant Classification Scheme 2023. Collection method: clinical testing. Allele origin: germline.

Fulgent Genetics
Classification: Uncertain significance for Fraser syndrome 1. Last evaluated: 2024-02-14. Review status: criteria provided, single submitter. Criteria: ACMG Guidelines, 2015. Collection method: clinical testing. Allele origin: germline.

Labcorp Genetics (formerly Invitae), Labcorp
Classification: Uncertain significance. Last evaluated: 2022-07-06. Review status: criteria provided, single submitter. Criteria: Invitae Variant Classification Sherloc (09022015). Collection method: clinical testing. Allele origin: germline.
Comment: This sequence change replaces arginine, which is basic and polar, with histidine, which is basic and polar, at codon 367 of the FRAS1 protein (p.Arg367His). The frequency data for this variant in the population databases is considered unreliable, as metrics indicate poor data quality at this position in the gnomAD database. This variant has not been reported in the literature in individuals affected with FRAS1-related conditions. ClinVar contains an entry for this variant (Variation ID: 1426073). Algorithms developed to predict the effect of missense changes on protein structure and function output the following: SIFT: "Tolerated"; PolyPhen-2: "Benign"; Align-GVGD: "Class C0". The histidine amino acid residue is found in multiple mammalian species, which suggests that this missense change does not adversely affect protein function. In summary, the available evidence is currently insufficient to determine the role of this variant in disease. Therefore, it has been classified as a Variant of Uncertain Significance.